The following is an entry in ClinVar:

NM_000368.5(TSC1):c.3104G>A (p.Gly1035Asp)

Gene: TSC1 (TSC complex subunit 1; minus strand). Cytogenetic location: 9q34.13.
Variant type: single nucleotide variant.
Coding change: c.3104G>A on transcript NM_000368.5 (MANE Select); coding-DNA position 3104, G replaced by A.
Protein change: p.Gly1035Asp; replaces glycine 1035 with aspartic acid.
Molecular consequence: missense variant.
Genome position (GRCh38, 1-based): chr9:132,896,626, C>T on the plus strand (G>A on the coding strand, the complement: TSC1 is on the minus strand). VCF-style: chr9-132896626-C-T. GRCh37 (hg19) VCF-style: chr9-135772013-C-T.
Other names: c.3101G>A, p.Gly1034Asp (NM_001162426.2); c.2951G>A, p.Gly984Asp (NM_001162427.2); c.2741G>A, p.Gly914Asp (NM_001362177.2); short protein forms G1034D, G984D, G1035D, G914D.
Identifiers: ClinVar variation 1447036 (VCV001447036.9), dbSNP rs1176815392, ClinGen allele CA375367430.

ClinVar aggregate classification (germline): Uncertain significance. Review status: criteria provided, multiple submitters, no conflicts (2 of 4 stars). 3 submissions from 3 submitters: Uncertain significance (3). Last evaluated 2025-11-03.

Conditions:
Isolated focal cortical dysplasia type II (FCORD2). Also called: CORTICAL DYSPLASIA OF TAYLOR; Focal cortical dysplasia type II. Identifiers: Orphanet 268994, MedGen C1846385, MONDO:0011818, OMIM 607341, HP:0032051.
Hereditary cancer-predisposing syndrome. Also called: Tumor predisposition; Hereditary neoplastic syndrome; Hereditary Cancer Syndrome; Neoplastic Syndromes, Hereditary. Identifiers: Orphanet 140162, MedGen C0027672, MeSH D009386, MONDO:0015356.
Tuberous sclerosis 1 (TSC1). Identifiers: Orphanet 805, MedGen C1854465, MONDO:0008612, OMIM 191100.

Allele frequency attached by ClinVar (database versions not stated): gnomAD exomes below 0.00001; TOPMed 0.00001.
gnomAD v4.1: 1 of 1,613,822 alleles (0.000062%); highest among the groups gnomAD compares: African/African-American, 0.0013%; no homozygotes.

Submissions (3):

Labcorp Genetics (formerly Invitae), Labcorp
Classification: Uncertain significance for Tuberous sclerosis 1. Last evaluated: 2025-11-03. Review status: criteria provided, single submitter. Criteria: Invitae Variant Classification Sherloc (09022015). Collection method: clinical testing. Allele origin: germline.
Comment: This sequence change replaces glycine, which is neutral and non-polar, with aspartic acid, which is acidic and polar, at codon 1035 of the TSC1 protein (p.Gly1035Asp). This variant is not present in population databases (gnomAD no frequency). This variant has not been reported in the literature in individuals affected with TSC1-related conditions. ClinVar contains an entry for this variant (Variation ID: 1447036). Invitae Evidence Modeling of protein sequence and biophysical properties (such as structural, functional, and spatial information, amino acid conservation, physicochemical variation, residue mobility, and thermodynamic stability) indicates that this missense variant is not expected to disrupt TSC1 protein function with a negative predictive value of 95%. In summary, the available evidence is currently insufficient to determine the role of this variant in disease. Therefore, it has been classified as a Variant of Uncertain Significance.

Ambry Genetics
Classification: Uncertain significance for Hereditary cancer-predisposing syndrome. Last evaluated: 2024-02-24. Review status: criteria provided, single submitter. Criteria: Ambry Variant Classification Scheme 2023. Collection method: clinical testing. Allele origin: germline.
Comment: The p.G1035D variant (also known as c.3104G>A), located in coding exon 21 of the TSC1 gene, results from a G to A substitution at nucleotide position 3104. The glycine at codon 1035 is replaced by aspartic acid, an amino acid with similar properties. This amino acid position is conserved. In addition, this alteration is predicted to be tolerated by in silico analysis. Since supporting evidence is limited at this time, the clinical significance of this alteration remains unclear.

Baylor Genetics
Classification: Uncertain significance for Isolated focal cortical dysplasia type II. Last evaluated: 2023-07-14. Review status: criteria provided, single submitter. Criteria: ACMG Guidelines, 2015. Collection method: clinical testing. Allele origin: unknown.